The following is an entry in ClinVar:

ClinVar aggregate classification (germline): Uncertain significance. Review status: criteria provided, multiple submitters, no conflicts (2 of 4 stars). 3 submissions from 3 submitters: Uncertain significance (3). Last evaluated 2025-10-08.

Conditions:
Familial melanoma. Also called: Hereditary melanoma; Hereditary cutaneous melanoma. Identifiers: Orphanet 618, MedGen C1512419, MONDO:0018961.
Hereditary cancer-predisposing syndrome. Also called: Tumor predisposition; Hereditary Cancer Syndrome; Neoplastic Syndromes, Hereditary; Hereditary neoplastic syndrome. Identifiers: Orphanet 140162, MedGen C0027672, MeSH D009386, MONDO:0015356.

Allele frequency attached by ClinVar (database versions not stated): gnomAD exomes below 0.00001; ExAC 0.00001; TOPMed 0.00001; gnomAD 0.00002.
gnomAD v4.1: 3 of 1,613,920 alleles (0.00019%); highest among the groups gnomAD compares: African/African-American, 0.004%; no homozygotes.

Submissions (3):

Labcorp Genetics (formerly Invitae), Labcorp
Classification: Uncertain significance for Familial melanoma. Last evaluated: 2025-10-08. Review status: criteria provided, single submitter. Criteria: Invitae Variant Classification Sherloc (09022015). Collection method: clinical testing. Allele origin: germline.
Comment: This sequence change replaces leucine, which is neutral and non-polar, with proline, which is neutral and non-polar, at codon 290 of the CDK4 protein (p.Leu290Pro). This variant is present in population databases (rs768127244, gnomAD 0.007%). This variant has not been reported in the literature in individuals affected with CDK4-related conditions. ClinVar contains an entry for this variant (Variation ID: 822668). Invitae Evidence Modeling of protein sequence and biophysical properties (such as structural, functional, and spatial information, amino acid conservation, physicochemical variation, residue mobility, and thermodynamic stability) indicates that this missense variant is expected to disrupt CDK4 protein function with a positive predictive value of 95%. In summary, the available evidence is currently insufficient to determine the role of this variant in disease. Therefore, it has been classified as a Variant of Uncertain Significance.

GeneDx
Classification: Uncertain significance. Last evaluated: 2024-06-06. Review status: criteria provided, single submitter. Criteria: GeneDx Variant Classification Process June 2021. Collection method: clinical testing. Allele origin: germline. Affected: yes.
Comment: Not observed at significant frequency in large population cohorts (gnomAD); In silico analysis supports that this missense variant has a deleterious effect on protein structure/function; Has not been previously published as pathogenic or benign to our knowledge

Ambry Genetics
Classification: Uncertain significance for Hereditary cancer-predisposing syndrome. Last evaluated: 2023-08-11. Review status: criteria provided, single submitter. Criteria: Ambry Variant Classification Scheme 2023. Collection method: clinical testing. Allele origin: germline.
Comment: The p.L290P variant (also known as c.869T>C), located in coding exon 7 of the CDK4 gene, results from a T to C substitution at nucleotide position 869. The leucine at codon 290 is replaced by proline, an amino acid with similar properties. This amino acid position is highly conserved on limited sequence alignment. In addition, this alteration is predicted to be deleterious by in silico analysis. Since supporting evidence is limited at this time, the clinical significance of this alteration remains unclear.

NM_000075.4(CDK4):c.869T>C (p.Leu290Pro)

Genes: TSPAN31 (tetraspanin 31; plus strand), CDK4 (cyclin dependent kinase 4; minus strand). Cytogenetic location: 12q14.1.
Variant type: single nucleotide variant.
Coding change: c.869T>C on transcript NM_000075.4 (MANE Select); coding-DNA position 869, T replaced by C.
Protein change: p.Leu290Pro; replaces leucine 290 with proline.
Molecular consequence: missense variant. On other transcripts: 3 prime UTR variant (3).
Genome position (GRCh38, 1-based): chr12:57,748,568, A>G on the plus strand (T>C on the coding strand, the complement: CDK4 is on the minus strand). VCF-style: chr12-57748568-A-G. GRCh37 (hg19) VCF-style: chr12-58142351-A-G.
Other names: c.*1278A>G (NM_001330168.2, NM_001330169.2, NM_005981.5); short protein forms L290P.
Identifiers: ClinVar variation 822668 (VCV000822668.15), dbSNP rs768127244, ClinGen allele CA6657622.